The following is an entry in ClinVar:

ClinVar aggregate classification (germline): Likely pathogenic (1 of 4 stars; one submission).

Conditions:
Marfan Syndrome/Loeys-Dietz Syndrome/Familial Thoracic Aortic Aneurysms and Dissections. Identifiers: MedGen CN229799.

Submission:

Women's Health and Genetics/Laboratory Corporation of America, LabCorp
Classification: Likely pathogenic for Marfan Syndrome/Loeys-Dietz Syndrome/Familial Thoracic Aortic Aneurysms and Dissections. Last evaluated: 2021-12-27. Review status: criteria provided, single submitter. Criteria: LabCorp Variant Classification Summary - May 2015. Collection method: clinical testing. Allele origin: germline.
Comment: Variant summary: FBN1 c.2381dupA (p.Phe796IlefsX6) results in a premature termination codon, predicted to cause a truncation of the encoded protein or absence of the protein due to nonsense mediated decay, which are commonly known mechanisms for disease. Truncations downstream of this position have been classified as pathogenic by our laboratory (example: c.2433C>A, p.Cys811X; c.2581C>T, p.Arg861X). The variant was absent in 251328 control chromosomes. To our knowledge, no occurrence of c.2381dupA in individuals affected with Marfan Syndrome and no experimental evidence demonstrating its impact on protein function have been reported. No clinical diagnostic laboratories have submitted clinical-significance assessments for this variant to ClinVar after 2014. Based on the evidence outlined above, the variant was classified as likely pathogenic.

NM_000138.5(FBN1):c.2381dup (p.Phe796fs)

Gene: FBN1 (fibrillin 1; minus strand). Cytogenetic location: 15q21.1.
Variant type: Duplication.
Coding change: c.2381dup on transcript NM_000138.5 (MANE Select); coding-DNA position 2381, one base duplicated (A; older notation c.2381dupA).
Protein change: p.Phe796fs; shifts the reading frame from phenylalanine 796.
Molecular consequence: frameshift variant.
Genome position (GRCh38, 1-based): chr15:48,496,138, T duplicated on the plus strand (A on the coding strand, the reverse complement: FBN1 is on the minus strand); the first of 2 consecutive T bases (chr15:48,496,138-48,496,139); duplicating either gives the same sequence. VCF-style (leftmost placement, unchanged base first): chr15-48496137-C-CT. GRCh37 (hg19) VCF-style: chr15-48788334-C-CT.
Other names: short protein forms F796fs.
Identifiers: ClinVar variation 1331485 (VCV001331485.1), dbSNP rs2141305022, ClinGen allele CA2573054042.